The following is an entry in ClinVar:

ClinVar aggregate classification (germline): Uncertain significance (1 of 4 stars; one submission).

Conditions:
Hereditary sensory and autonomic neuropathy type 6. Also called: HSAN VI; Neuropathy, hereditary sensory and autonomic, type VI. Identifiers: Orphanet 314381, MedGen C3539003, MONDO:0013839, OMIM 614653.
Epidermolysis bullosa simplex 3, localized or generalized intermediate, with BP230 deficiency (EBS3). Also called: Epidermolysis bullosa simplex, autosomal recessive 2; Epidermolysis bullosa simplex due to BP230 deficiency. Identifiers: Orphanet 412181, MedGen C3809470, MONDO:0014180, OMIM 615425.

Allele frequency attached by ClinVar (database versions not stated): ExAC 0.00001; gnomAD exomes 0.00001; gnomAD 0.00002; TOPMed 0.00003.

Submission:

Labcorp Genetics (formerly Invitae), Labcorp
Classification: Uncertain significance for Epidermolysis bullosa simplex 3, localized or generalized intermediate, with BP230 deficiency; Hereditary sensory and autonomic neuropathy type 6. Last evaluated: 2024-10-28. Review status: criteria provided, single submitter. Criteria: Invitae Variant Classification Sherloc (09022015). Collection method: clinical testing. Allele origin: germline.
Comment: This sequence change replaces histidine, which is basic and polar, with arginine, which is basic and polar, at codon 654 of the DST protein (p.His654Arg). The frequency data for this variant in the population databases is considered unreliable, as metrics indicate poor data quality at this position in the gnomAD database. This variant has not been reported in the literature in individuals affected with DST-related conditions. ClinVar contains an entry for this variant (Variation ID: 2037867). An algorithm developed to predict the effect of missense changes on protein structure and function (PolyPhen-2) suggests that this variant is likely to be disruptive. In summary, the available evidence is currently insufficient to determine the role of this variant in disease. Therefore, it has been classified as a Variant of Uncertain Significance.

NM_001374736.1(DST):c.3572A>G (p.His1191Arg)

Gene: DST (dystonin; minus strand). Cytogenetic location: 6p12.1.
Variant type: single nucleotide variant.
Coding change: c.3572A>G on transcript NM_001374736.1 (MANE Select); coding-DNA position 3572, A replaced by G.
Protein change: p.His1191Arg; replaces histidine 1191 with arginine.
Molecular consequence: missense variant.
Genome position (GRCh38, 1-based): chr6:56,634,181, T>C on the plus strand (A>G on the coding strand, the complement: DST is on the minus strand). VCF-style: chr6-56634181-T-C. GRCh37 (hg19) VCF-style: chr6-56498979-T-C.
Other names: c.3473A>G, p.His1158Arg (NM_001144769.5); c.3059A>G, p.His1020Arg (NM_001144770.2); c.3572A>G, p.His1191Arg (NM_001374722.1); c.2939A>G, p.His980Arg (NM_001374729.1, NM_001374730.1, NM_001386100.1 and 1 more transcripts); c.3599A>G, p.His1200Arg (NM_001374734.1); c.1961A>G, p.His654Arg (NM_001723.7, NM_015548.5); short protein forms H1158R, H1191R, H1200R, H1020R, H654R, H980R.
Identifiers: ClinVar variation 2037867 (VCV002037867.4), dbSNP rs775668249, ClinGen allele CA3871128.